The following is an entry in ClinVar:

NM_004928.3(CFAP410):c.725G>A (p.Arg242Gln)

Gene: CFAP410 (cilia and flagella associated protein 410; minus strand). Cytogenetic location: 21q22.3.
Variant type: single nucleotide variant.
Coding change: c.725G>A on transcript NM_004928.3 (MANE Select); coding-DNA position 725, G replaced by A.
Protein change: p.Arg242Gln; replaces arginine 242 with glutamine.
Molecular consequence: missense variant.
Genome position (GRCh38, 1-based): chr21:44,330,244, C>T on the plus strand (G>A on the coding strand, the complement: CFAP410 is on the minus strand). VCF-style: chr21-44330244-C-T. GRCh37 (hg19) VCF-style: chr21-45750127-C-T.
Other names: c.722G>A, p.Arg241Gln (NM_001271440.2); c.1082G>A, p.Arg361Gln (NM_001271441.2); c.599G>A, p.Arg200Gln (NM_001271442.1); short protein forms R200Q, R241Q, R242Q, R361Q.
Identifiers: ClinVar variation 1470735 (VCV001470735.3), dbSNP rs895557929, ClinGen allele CA321782201.
Genomic context (GRCh38, chr21:44,330,244, plus strand): 5'-TTCAGGTCCTGCGGTCACTCGGCGTGCTCCTGCACCTCTTCCCCACGCAGGGCCTGCAGC[C>T]GGCTGCCCACAGTCTGCTGCACGGCCTCCAGCCCCTCTGCATCCAGCTCCCGCAGCAGCA-3'
Protein context (NP_004919.1, residues 232-252): LEAVQQTVGS[Arg242Gln]LQALRGEEVQ

ClinVar aggregate classification (germline): Uncertain significance (1 of 4 stars; one submission).

Allele frequency attached by ClinVar (database versions not stated): gnomAD exomes 0.00001; gnomAD 0.00002; TOPMed 0.00002.
gnomAD v4.1: 15 of 1,594,326 alleles (0.00094%); highest among the groups gnomAD compares: Admixed American, 0.0035%; no homozygotes.

Submission:

Labcorp Genetics (formerly Invitae), Labcorp
Classification: Uncertain significance. Last evaluated: 2022-02-08. Review status: criteria provided, single submitter. Criteria: Invitae Variant Classification Sherloc (09022015). Collection method: clinical testing. Allele origin: germline.
Comment: This sequence change replaces arginine, which is basic and polar, with glutamine, which is neutral and polar, at codon 242 of the CFAP410 protein (p.Arg242Gln). This variant is present in population databases (no rsID available, gnomAD 0.001%). This variant has not been reported in the literature in individuals affected with CFAP410-related conditions. Algorithms developed to predict the effect of missense changes on protein structure and function output the following: SIFT: "Deleterious"; PolyPhen-2: "Benign"; Align-GVGD: "Class C0". The glutamine amino acid residue is found in multiple mammalian species, which suggests that this missense change does not adversely affect protein function. In summary, the available evidence is currently insufficient to determine the role of this variant in disease. Therefore, it has been classified as a Variant of Uncertain Significance.